The following is an entry in ClinVar:

NM_001379110.1(SLC9A6):c.461G>A (p.Arg154Gln)

Gene: SLC9A6 (solute carrier family 9 member A6; plus strand). Cytogenetic location: Xq26.3.
Variant type: single nucleotide variant.
Coding change: c.461G>A on transcript NM_001379110.1 (MANE Select); coding-DNA position 461, G replaced by A.
Protein change: p.Arg154Gln; replaces arginine 154 with glutamine.
Molecular consequence: missense variant.
Genome position (GRCh38, 1-based): chrX:135,998,495, G>A. VCF-style: chrX-135998495-G-A. GRCh37 (hg19) VCF-style: chrX-135080654-G-A.
Other names: c.617G>A, p.Arg206Gln (NM_001042537.2); c.461G>A, p.Arg154Gln (NM_001177651.2); c.365G>A, p.Arg122Gln (NM_001330652.2); c.521G>A, p.Arg174Gln (NM_006359.3); short protein forms R122Q, R154Q, R174Q, R206Q.
Identifiers: ClinVar variation 1014912 (VCV001014912.8), dbSNP rs782262088, ClinGen allele CA10524677.

ClinVar aggregate classification (germline): Uncertain significance (1 of 4 stars; one submission).

Conditions:
Christianson syndrome (MRXSCH). Also called: INTELLECTUAL DEVELOPMENTAL DISORDER, X-LINKED, SYNDROMIC, CHRISTIANSON TYPE; X-linked mental retardation, syndromic, Christianson type; SLC9A6-Related Syndromic Mental Retardation. Identifiers: Orphanet 85278, MedGen C2678194, MONDO:0010278, OMIM 300243.

Allele frequency attached by ClinVar (database versions not stated): gnomAD exomes 0.00001; TOPMed 0.00001; ExAC 0.00002.
gnomAD v4.1: 14 of 1,143,884 alleles (0.0012%); highest among the groups gnomAD compares: East Asian, 0.0031%; no homozygotes.

Submission:

Labcorp Genetics (formerly Invitae), Labcorp
Classification: Uncertain significance for Christianson syndrome. Last evaluated: 2024-02-15. Review status: criteria provided, single submitter. Criteria: Invitae Variant Classification Sherloc (09022015). Collection method: clinical testing. Allele origin: germline.
Comment: This sequence change replaces arginine, which is basic and polar, with glutamine, which is neutral and polar, at codon 174 of the SLC9A6 protein (p.Arg174Gln). The frequency data for this variant in the population databases is considered unreliable, as metrics indicate poor data quality at this position in the gnomAD database. This variant has not been reported in the literature in individuals affected with SLC9A6-related conditions. ClinVar contains an entry for this variant (Variation ID: 1014912). Advanced modeling of protein sequence and biophysical properties (such as structural, functional, and spatial information, amino acid conservation, physicochemical variation, residue mobility, and thermodynamic stability) performed at Invitae indicates that this missense variant is not expected to disrupt SLC9A6 protein function with a negative predictive value of 80%. In summary, the available evidence is currently insufficient to determine the role of this variant in disease. Therefore, it has been classified as a Variant of Uncertain Significance.